The following is an entry in ClinVar:

NM_000256.3(MYBPC3):c.1274del (p.Gln425fs)

Gene: MYBPC3 (myosin binding protein C3; minus strand). Cytogenetic location: 11p11.2.
Variant type: Deletion.
Coding change: c.1274del on transcript NM_000256.3 (MANE Select); coding-DNA position 1274, one base deleted (A; older notation c.1274delA).
Protein change: p.Gln425fs; shifts the reading frame from glutamine 425.
Molecular consequence: frameshift variant.
Genome position (GRCh38, 1-based): chr11:47,343,098, T deleted on the plus strand (A on the coding strand, the reverse complement: MYBPC3 is on the minus strand). VCF-style (leftmost placement, unchanged base first): chr11-47343097-CT-C. GRCh37 (hg19) VCF-style: chr11-47364648-CT-C.
Other names: short protein forms Q425fs.
Identifiers: ClinVar variation 4718888 (VCV004718888.1).

ClinVar aggregate classification (germline): Pathogenic (1 of 4 stars; one submission).

Conditions:
Hypertrophic cardiomyopathy. Also called: HYPERTROPHIC MYOCARDIOPATHY. Identifiers: Orphanet 217569, MedGen C0007194, MeSH D002312, MONDO:0005045, HP:0001639.

Submission:

Labcorp Genetics (formerly Invitae), Labcorp
Classification: Pathogenic for Hypertrophic cardiomyopathy. Last evaluated: 2025-05-04. Review status: criteria provided, single submitter. Criteria: Invitae Variant Classification Sherloc (09022015). Collection method: clinical testing. Allele origin: germline.
Comment: This sequence change creates a premature translational stop signal (p.Gln425Argfs*25) in the MYBPC3 gene. It is expected to result in an absent or disrupted protein product. Loss-of-function variants in MYBPC3 are known to be pathogenic (PMID: 19574547). This variant is not present in population databases (gnomAD no frequency). This variant has not been reported in the literature in individuals affected with MYBPC3-related conditions. For these reasons, this variant has been classified as Pathogenic.

Literature cited by the submitters: PubMed 19574547.